The following is an entry in ClinVar:

ClinVar aggregate classification (germline): Benign/Likely benign. Review status: criteria provided, multiple submitters, no conflicts (2 of 4 stars). 4 submissions from 4 submitters: Benign (3); Likely benign (1). Last evaluated 2026-07-01.

Allele frequency attached by ClinVar (database versions not stated): 1000 Genomes Project 0.00260; 1000 Genomes Project 30x 0.00281; ESP Exome Variant Server 0.00285; TOPMed 0.00312; gnomAD 0.00369; gnomAD exomes 0.00399; ExAC 0.00414.
gnomAD v4.1: 6,815 of 1,603,414 alleles (0.43%); highest among the groups gnomAD compares: Admixed American, 0.63%; 18 homozygotes.

Submissions (4):

CeGaT Center for Human Genetics Tuebingen
Classification: Likely benign. Last evaluated: 2026-07-01. Review status: criteria provided, single submitter. Criteria: CeGaT Center For Human Genetics Tuebingen Variant Classification Criteria Version 2. Collection method: clinical testing. Allele origin: germline. Affected: yes. Observed: 4 variant alleles.
Comment: LARS1: BS2

Labcorp Genetics (formerly Invitae), Labcorp
Classification: Benign. Last evaluated: 2026-01-27. Review status: criteria provided, single submitter. Criteria: Invitae Variant Classification Sherloc (09022015). Collection method: clinical testing. Allele origin: germline.

Women's Health and Genetics/Laboratory Corporation of America, LabCorp
Classification: Benign. Last evaluated: 2022-06-15. Review status: criteria provided, single submitter. Criteria: LabCorp Variant Classification Summary - May 2015. Collection method: clinical testing. Allele origin: germline.
Comment: Variant summary: LARS c.3077A>G (p.Tyr1026Cys) results in a non-conservative amino acid change in the encoded protein sequence. Five of five in-silico tools predict a damaging effect of the variant on protein function. The variant allele was found at a frequency of 0.004 in 250386 control chromosomes (gnomAD), including 6 homozygotes. The variant occurs predominantly at a frequency of 0.0055 within the Latino subpopulation in the gnomAD database, including 2 homozygotes. The observed variant frequency within Latino control individuals in the gnomAD database is approximately 5-fold of the estimated maximal expected allele frequency for a pathogenic variant in LARS causing Liver Failure Acute Infantile, Type 1 (0.0011), strongly suggesting that the variant is a benign polymorphism found primarily in populations of Latino origin. Two clinical diagnostic laboratories have submitted clinical-significance assessments for this variant to ClinVar after 2014 and both classified the variant as benign. Based on the evidence outlined above, the variant was classified as benign.

GeneDx
Classification: Benign. Last evaluated: 2016-11-03. Review status: criteria provided, single submitter. Criteria: GeneDx Variant Classification (06012015). Collection method: clinical testing. Allele origin: germline. Affected: yes.
Comment: This variant is considered likely benign or benign based on one or more of the following criteria: it is a conservative change, it occurs at a poorly conserved position in the protein, it is predicted to be benign by multiple in silico algorithms, and/or has population frequency not consistent with disease.

NM_020117.11(LARS1):c.3077A>G (p.Tyr1026Cys)

Gene: LARS1 (leucyl-tRNA synthetase 1; minus strand). Cytogenetic location: 5q32.
Variant type: single nucleotide variant.
Coding change: c.3077A>G on transcript NM_020117.11 (MANE Select); coding-DNA position 3077, A replaced by G.
Protein change: p.Tyr1026Cys; replaces tyrosine 1026 with cysteine.
Molecular consequence: missense variant.
Genome position (GRCh38, 1-based): chr5:146,124,001, T>C on the plus strand (A>G on the coding strand, the complement: LARS1 is on the minus strand). VCF-style: chr5-146124001-T-C. GRCh37 (hg19) VCF-style: chr5-145503564-T-C.
Other names: p.Y1026C:TAT>TGT; c.2939A>G, p.Tyr980Cys (NM_001317964.2); c.2915A>G, p.Tyr972Cys (NM_001317965.2); c.2996A>G, p.Tyr999Cys (NM_016460.4); short protein forms Y1026C, Y999C, Y980C, Y972C.
Identifiers: ClinVar variation 214568 (VCV000214568.27), dbSNP rs34823161, ClinGen allele CA324645.